The following is an entry in ClinVar:

NM_014225.6(PPP2R1A):c.1281G>T (p.Met427Ile)

Gene: PPP2R1A (protein phosphatase 2 scaffold subunit Aalpha; plus strand). Cytogenetic location: 19q13.41.
Variant type: single nucleotide variant.
Coding change: c.1281G>T on transcript NM_014225.6 (MANE Select); coding-DNA position 1281, G replaced by T.
Protein change: p.Met427Ile; replaces methionine 427 with isoleucine.
Molecular consequence: missense variant. On other transcripts: non-coding transcript variant (1).
Genome position (GRCh38, 1-based): chr19:52,219,843, G>T. VCF-style: chr19-52219843-G-T. GRCh37 (hg19) VCF-style: chr19-52723096-G-T.
Other names: c.744G>T, p.Met248Ile (NM_001363656.2); short protein forms M248I, M427I.
Identifiers: ClinVar variation 3364675 (VCV003364675.1).

ClinVar aggregate classification (germline): Uncertain significance (1 of 4 stars; one submission).

Submission:

GeneDx
Classification: Uncertain significance. Last evaluated: 2023-12-03. Review status: criteria provided, single submitter. Criteria: GeneDx Variant Classification Process June 2021. Collection method: clinical testing. Allele origin: germline. Affected: yes.
Comment: Not observed at significant frequency in large population cohorts (gnomAD); In silico analysis supports that this missense variant does not alter protein structure/function; Has not been previously published as pathogenic or benign to our knowledge